The following is an entry in ClinVar:

NM_000051.4(ATM):c.6889C>G (p.Gln2297Glu)

Genes: ATM (ATM serine/threonine kinase; plus strand), C11orf65 (chromosome 11 open reading frame 65; minus strand). Cytogenetic location: 11q22.3.
Variant type: single nucleotide variant.
Coding change: c.6889C>G on transcript NM_000051.4 (MANE Select); coding-DNA position 6889, C replaced by G.
Protein change: p.Gln2297Glu; replaces glutamine 2297 with glutamic acid.
Molecular consequence: missense variant. On other transcripts: intron variant (2).
Genome position (GRCh38, 1-based): chr11:108,326,139, C>G. VCF-style: chr11-108326139-C-G. GRCh37 (hg19) VCF-style: chr11-108196866-C-G.
Other names: c.6889C>G, p.Gln2297Glu (NM_001351834.2); c.641-17068G>C (NM_001330368.2); c.*38+9081G>C (NM_001351110.2); short protein forms Q2297E.
Identifiers: ClinVar variation 629286 (VCV000629286.5), dbSNP rs1565520537, ClinGen allele CA382556868.

ClinVar aggregate classification (germline): Uncertain significance (1 of 4 stars; one submission).

Conditions:
Hereditary cancer-predisposing syndrome. Also called: Tumor predisposition; Hereditary neoplastic syndrome; Neoplastic Syndromes, Hereditary; Hereditary Cancer Syndrome. Identifiers: Orphanet 140162, MedGen C0027672, MeSH D009386, MONDO:0015356.

Submission:

Color Diagnostics, LLC DBA Color Health
Classification: Uncertain significance for Hereditary cancer-predisposing syndrome. Last evaluated: 2023-12-04. Review status: criteria provided, single submitter. Criteria: ACMG Guidelines, 2015. Collection method: clinical testing. Allele origin: germline.
Comment: This missense variant replaces glutamine with glutamic acid at codon 2297 of the ATM protein. Computational prediction suggests that this variant may not impact protein structure and function (internally defined REVEL score threshold <= 0.5, PMID: 27666373). To our knowledge, functional studies have not been reported for this variant. This variant has not been reported in individuals affected with ATM-related disorders in the literature. This variant has not been identified in the general population by the Genome Aggregation Database (gnomAD). The available evidence is insufficient to determine the role of this variant in disease conclusively. Therefore, this variant is classified as a Variant of Uncertain Significance.